The following is an entry in ClinVar:

ClinVar aggregate classification (germline): Uncertain significance (1 of 4 stars; one submission).

Conditions:
Combined immunodeficiency due to DOCK8 deficiency (HIES2). Also called: HIES autosomal recessive; HYPER-IgE RECURRENT INFECTION SYNDROME 2, AUTOSOMAL RECESSIVE; Hyper-IgE recurrent infection syndrome, autosomal recessive; HYPER-IgE SYNDROME 2, AUTOSOMAL RECESSIVE, WITH RECURRENT INFECTIONS; DOCK8 Deficiency. Identifiers: Orphanet 217390, MedGen C4722305, MONDO:0009478, OMIM 243700.

gnomAD v4.1: 5 of 1,614,148 alleles (0.00031%); highest among the groups gnomAD compares: South Asian, 0.0011%; no homozygotes.

Submission:

Labcorp Genetics (formerly Invitae), Labcorp
Classification: Uncertain significance for Combined immunodeficiency due to DOCK8 deficiency. Last evaluated: 2024-10-02. Review status: criteria provided, single submitter. Criteria: Invitae Variant Classification Sherloc (09022015). Collection method: clinical testing. Allele origin: germline.
Comment: This sequence change replaces alanine, which is neutral and non-polar, with valine, which is neutral and non-polar, at codon 404 of the DOCK8 protein (p.Ala404Val). This variant is present in population databases (rs749588357, gnomAD 0.003%). This variant has not been reported in the literature in individuals affected with DOCK8-related conditions. Invitae Evidence Modeling of protein sequence and biophysical properties (such as structural, functional, and spatial information, amino acid conservation, physicochemical variation, residue mobility, and thermodynamic stability) indicates that this missense variant is not expected to disrupt DOCK8 protein function with a negative predictive value of 80%. In summary, the available evidence is currently insufficient to determine the role of this variant in disease. Therefore, it has been classified as a Variant of Uncertain Significance.

NM_203447.4(DOCK8):c.1211C>T (p.Ala404Val)

Gene: DOCK8 (dedicator of cytokinesis 8; plus strand). Cytogenetic location: 9p24.3.
Variant type: single nucleotide variant.
Coding change: c.1211C>T on transcript NM_203447.4 (MANE Select); coding-DNA position 1211, C replaced by T.
Protein change: p.Ala404Val; replaces alanine 404 with valine.
Molecular consequence: missense variant.
Genome position (GRCh38, 1-based): chr9:334,310, C>T. VCF-style: chr9-334310-C-T. GRCh37 (hg19) VCF-style: chr9-334310-C-T.
Other names: c.1007C>T, p.Ala336Val (NM_001190458.2, NM_001193536.2); short protein forms A336V, A404V.
Identifiers: ClinVar variation 3623999 (VCV003623999.2).
Genomic context (GRCh38, chr9:334,310, plus strand): 5'-AACTCCAAGCTGAATCCTTCTGCCAGCGTTTGGGGAAATACCGGATGCCCTTTGCCTGGG[C>T]ACCCATAAGCTTATCAAGCTTCTTCAATGTCTCCACCCTTGAGAGGGAGGTAACTGATGT-3'
Protein context (NP_982272.2, residues 394-414): LGKYRMPFAW[Ala404Val]PISLSSFFNV